The following is an entry in ClinVar:

ClinVar aggregate classification (germline): Uncertain significance (1 of 4 stars; one submission).

Conditions:
Hereditary cancer-predisposing syndrome. Also called: Neoplastic Syndromes, Hereditary; Tumor predisposition; Hereditary Cancer Syndrome; Hereditary neoplastic syndrome. Identifiers: Orphanet 140162, MedGen C0027672, MeSH D009386, MONDO:0015356.

Allele frequency attached by ClinVar (database versions not stated): gnomAD exomes below 0.00001 and 0.00001.
gnomAD v4.1: 3 of 1,613,366 alleles (0.00019%); highest among the groups gnomAD compares: South Asian, 0.0022%; 1 homozygote.

Submission:

Ambry Genetics
Classification: Uncertain significance for Hereditary cancer-predisposing syndrome. Last evaluated: 2016-01-13. Review status: criteria provided, single submitter. Criteria: Ambry Variant Classification Scheme 2023. Collection method: clinical testing. Allele origin: germline.
Comment: The p.R594T variant (also known as c.1781G>C), located in coding exon 11 of the NBN gene, results from a G to C substitution at nucleotide position 1781. The arginine at codon 594 is replaced by threonine, an amino acid with similar properties. This variant was not reported in population based cohorts in the following databases: Database of Single Nucleotide Polymorphisms (dbSNP), NHLBI Exome Sequencing Project (ESP), and 1000 Genomes Project. In the ESP, this variant was not observed in 6502 samples (13004 alleles) with coverage at this position. To date, this alteration has been detected with an allele frequency of approximately 0.001% (greater than 120000 alleles tested) in our clinical cohort. This amino acid position is well conserved in available vertebrate species. In addition, this alteration is predicted to be tolerated by in silico analysis. Since supporting evidence is limited at this time, the clinical significance of p.R594T remains unclear.

NM_002485.5(NBN):c.1781G>C (p.Arg594Thr)

Gene: NBN (nibrin; minus strand). Cytogenetic location: 8q21.3.
Variant type: single nucleotide variant.
Coding change: c.1781G>C on transcript NM_002485.5 (MANE Select); coding-DNA position 1781, G replaced by C.
Protein change: p.Arg594Thr; replaces arginine 594 with threonine.
Molecular consequence: missense variant.
Genome position (GRCh38, 1-based): chr8:89,953,308, C>G on the plus strand (G>C on the coding strand, the complement: NBN is on the minus strand). VCF-style: chr8-89953308-C-G. GRCh37 (hg19) VCF-style: chr8-90965536-C-G.
Other names: c.1535G>C, p.Arg512Thr (NM_001024688.3); short protein forms R594T, R512T.
Identifiers: ClinVar variation 483947 (VCV000483947.5), dbSNP rs1170559670, ClinGen allele CA371655106.
Genomic context (GRCh38, chr8:89,953,308, plus strand): 5'-ATTTTGCTACTTTCTGGTACTGCTTCATCACTGAAAGTGTCATTTGTTTCTATATCCATC[C>G]TTGGCCTTTTTCTAACATTGACATCTTCCTCCTGTTTTTGAACTTTCACATCAATTTCTA-3'
Protein context (NP_002476.2, residues 584-604): EEDVNVRKRP[Arg594Thr]MDIETNDTFS